The following is an entry in ClinVar:

ClinVar aggregate classification (germline): Uncertain significance (1 of 4 stars; one submission).

Conditions:
Hereditary cancer-predisposing syndrome. Also called: Hereditary Cancer Syndrome; Tumor predisposition; Hereditary neoplastic syndrome; Neoplastic Syndromes, Hereditary. Identifiers: Orphanet 140162, MedGen C0027672, MeSH D009386, MONDO:0015356.

gnomAD v4.1: 2 of 1,613,960 alleles (0.00012%); highest among the groups gnomAD compares: South Asian, 0.0011%; no homozygotes.

Submission:

Ambry Genetics
Classification: Uncertain significance for Hereditary cancer-predisposing syndrome. Last evaluated: 2025-09-29. Review status: criteria provided, single submitter. Criteria: Ambry Variant Classification Scheme 2023. Collection method: clinical testing. Allele origin: germline.
Comment: The p.I285V variant (also known as c.853A>G), located in coding exon 8 of the MITF gene, results from an A to G substitution at nucleotide position 853. The isoleucine at codon 285 is replaced by valine, an amino acid with highly similar properties. This amino acid position is conserved. In addition, this alteration is predicted to be tolerated by in silico analysis. Based on the available evidence, the clinical significance of this variant remains unclear.

NM_001354604.2(MITF):c.1174A>G (p.Ile392Val)

Gene: MITF (melanocyte inducing transcription factor; plus strand). Cytogenetic location: 3p13.
Variant type: single nucleotide variant.
Coding change: c.1174A>G on transcript NM_001354604.2 (MANE Select); coding-DNA position 1174, A replaced by G.
Protein change: p.Ile392Val; replaces isoleucine 392 with valine.
Molecular consequence: missense variant.
Genome position (GRCh38, 1-based): chr3:69,959,415, A>G. VCF-style: chr3-69959415-A-G. GRCh37 (hg19) VCF-style: chr3-70008566-A-G.
Other names: c.853A>G, p.Ile285Val (NM_000248.4); c.1000A>G, p.Ile334Val (NM_001184967.2, NM_001354608.2); c.1171A>G, p.Ile391Val (NM_001354605.2); c.1153A>G, p.Ile385Val (NM_001354606.2, NM_006722.3); c.1105A>G, p.Ile369Val (NM_001354607.2); c.835A>G, p.Ile279Val (NM_198158.3); c.1156A>G, p.Ile386Val (NM_198159.3); c.1108A>G, p.Ile370Val (NM_198177.3); and 1 more; short protein forms I223V, I391V, I285V, I334V, I369V, I370V, I392V, I279V.
Identifiers: ClinVar variation 3396352 (VCV003396352.2).